The following is an entry in ClinVar:

ClinVar aggregate classification (germline): Benign. Review status: criteria provided, multiple submitters, no conflicts (2 of 4 stars). 3 submissions from 3 submitters: Benign (3). Last evaluated 2025-08-30.

Conditions:
Autosomal recessive hypohidrotic ectodermal dysplasia syndrome. Also called: Autosomal recessive hypohidrotic ectodermal dysplasia. Identifiers: Orphanet 248, MedGen C0406702, MONDO:0016619.
Ectodermal dysplasia 10A, hypohidrotic/hair/nail type, autosomal dominant (ECTD10A). Also called: Ectodermal Dysplasia 3, Anhidrotic. Identifiers: Orphanet 1810, Orphanet 238468, MedGen C3888065, MONDO:0007509, OMIM 129490.
Hypohidrotic ectodermal dysplasia (HED). Identifiers: Orphanet 238468, MedGen C5848103, MONDO:0016535, HP:0007607.

Allele frequency attached by ClinVar (database versions not stated): 1000 Genomes Project 30x 0.00781; ESP Exome Variant Server 0.01061; 1000 Genomes Project 0.00759; gnomAD 0.00877; TOPMed 0.01082.
gnomAD v4.1: 2,779 of 1,612,712 alleles (0.17%); highest among the groups gnomAD compares: African/African-American, 3.3%; 51 homozygotes.

Submissions (3):

Labcorp Genetics (formerly Invitae), Labcorp
Classification: Benign for Ectodermal dysplasia 10A, hypohidrotic/hair/nail type, autosomal dominant; Autosomal recessive hypohidrotic ectodermal dysplasia syndrome. Last evaluated: 2025-08-30. Review status: criteria provided, single submitter. Criteria: Invitae Variant Classification Sherloc (09022015). Collection method: clinical testing. Allele origin: germline.

Illumina Laboratory Services, Illumina
Classification: Benign for Hypohidrotic ectodermal dysplasia. Last evaluated: 2018-01-13. Review status: criteria provided, single submitter. Criteria: ICSL Variant Classification Criteria 13 December 2019. Collection method: clinical testing. Allele origin: germline.
Comment: This variant was observed in the ICSL laboratory as part of a predisposition screen in an ostensibly healthy population. It had not been previously curated by ICSL or reported in the Human Gene Mutation Database (HGMD: prior to June 1st, 2018), and was therefore a candidate for classification through an automated scoring system. Utilizing variant allele frequency, disease prevalence and penetrance estimates, and inheritance mode, an automated score was calculated to assess if this variant is too frequent to cause the disease. Based on the score and internal cut-off values, a variant classified as benign is not then subjected to further curation. The score for this variant resulted in a classification of benign for this disease.

Breakthrough Genomics
Classification: Benign. Review status: criteria provided, single submitter. Criteria: ACMG Guidelines, 2015. Collection method: not provided. Allele origin: germline. Inheritance: Autosomal recessive inheritance. Affected: yes.

NM_022336.4(EDAR):c.736G>A (p.Val246Met)

Genes: EDAR (ectodysplasin A receptor; minus strand), RANBP2 (RAN binding protein 2; plus strand). Cytogenetic location: 2q13.
Variant type: single nucleotide variant.
Coding change: c.736G>A on transcript NM_022336.4 (MANE Select); coding-DNA position 736, G replaced by A.
Protein change: p.Val246Met; replaces valine 246 with methionine.
Molecular consequence: missense variant.
Genome position (GRCh38, 1-based): chr2:108,910,527, C>T on the plus strand (G>A on the coding strand, the complement: EDAR is on the minus strand). VCF-style: chr2-108910527-C-T. GRCh37 (hg19) VCF-style: chr2-109526983-C-T.
Other names: short protein forms V246M.
Identifiers: ClinVar variation 702179 (VCV000702179.15), dbSNP rs79798733, ClinGen allele CA1824942.